The following is an entry in ClinVar:

NM_001379110.1(SLC9A6):c.1551-5T>C

Gene: SLC9A6 (solute carrier family 9 member A6; plus strand). Cytogenetic location: Xq26.3.
Variant type: single nucleotide variant.
Coding change: c.1551-5T>C on transcript NM_001379110.1 (MANE Select); 5 bases into the intron before coding-DNA position 1551, T replaced by C.
Molecular consequence: intron variant.
Genome position (GRCh38, 1-based): chrX:136,030,127, T>C. VCF-style: chrX-136030127-T-C. GRCh37 (hg19) VCF-style: chrX-135112286-T-C.
Other names: c.1617-5T>C (NM_001042537.2); c.1521-5T>C (NM_006359.3); c.1461-5T>C (NM_001177651.2); c.1365-5T>C (NM_001330652.2).
Identifiers: ClinVar variation 1314476 (VCV001314476.2), dbSNP rs2148196761, ClinGen allele CA2573055115.

ClinVar aggregate classification (germline): Uncertain significance (1 of 4 stars; one submission).

Submission:

GeneDx
Classification: Uncertain significance. Last evaluated: 2021-04-12. Review status: criteria provided, single submitter. Criteria: GeneDx Variant Classification Process June 2021. Collection method: clinical testing. Allele origin: germline. Affected: yes.
Comment: Not observed in large population cohorts (Lek et al., 2016); In silico analysis supports that this variant does not alter splicing; Has not been previously published as pathogenic or benign to our knowledge